The following is an entry in ClinVar:

ClinVar aggregate classification (germline): Benign/Likely benign. Review status: criteria provided, multiple submitters, no conflicts (2 of 4 stars). 4 submissions from 4 submitters: Benign (1); Likely benign (3). Last evaluated 2025-06-15.

Conditions:
Hereditary cancer-predisposing syndrome. Also called: Hereditary neoplastic syndrome; Hereditary Cancer Syndrome; Neoplastic Syndromes, Hereditary; Tumor predisposition. Identifiers: Orphanet 140162, MedGen C0027672, MeSH D009386, MONDO:0015356.
Lynch syndrome 4 (LYNCH4). Also called: Colorectal cancer, hereditary nonpolyposis, type 4; Hereditary non-polyposis colorectal cancer, type 4. Identifiers: Orphanet 144, MedGen C1838333, MONDO:0013699, OMIM 614337. Disease mechanism: loss of function.
Hereditary nonpolyposis colorectal neoplasms. Identifiers: MedGen C0009405, MeSH D003123.

Allele frequency attached by ClinVar (database versions not stated): gnomAD exomes below 0.00001.
gnomAD v4.1: 1 of 1,614,022 alleles (0.000062%); highest among the groups gnomAD compares: Non-Finnish European, 0.000085%; no homozygotes.

Submissions (4):

Labcorp Genetics (formerly Invitae), Labcorp
Classification: Likely benign for Hereditary nonpolyposis colorectal neoplasms. Last evaluated: 2025-06-15. Review status: criteria provided, single submitter. Criteria: Invitae Variant Classification Sherloc (09022015). Collection method: clinical testing. Allele origin: germline.

Myriad Genetics, Inc.
Classification: Benign for Lynch syndrome 4. Last evaluated: 2025-01-27. Review status: criteria provided, single submitter. Criteria: Myriad Autosomal Dominant, Autosomal Recessive and X-Linked Classification Criteria (2023). Collection method: clinical testing. Allele origin: unknown.
Comment: This variant is considered benign. This variant is a silent/synonymous amino acid change and it is not expected to impact splicing.

Color Diagnostics, LLC DBA Color Health
Classification: Likely benign for Hereditary cancer-predisposing syndrome. Last evaluated: 2021-07-07. Review status: criteria provided, single submitter. Criteria: ACMG Guidelines, 2015. Collection method: clinical testing. Allele origin: germline.

Ambry Genetics
Classification: Likely benign for Hereditary cancer-predisposing syndrome. Last evaluated: 2017-11-27. Review status: criteria provided, single submitter. Criteria: Ambry Variant Classification Scheme 2023. Collection method: clinical testing. Allele origin: germline.

NM_000535.7(PMS2):c.570A>G (p.Ala190=)

Gene: PMS2 (PMS1 homolog 2, mismatch repair system component; minus strand). Cytogenetic location: 7p22.1.
Variant type: single nucleotide variant.
Coding change: c.570A>G on transcript NM_000535.7 (MANE Select); coding-DNA position 570, A replaced by G.
Protein change: p.Ala190=; no amino-acid change (alanine 190 retained).
Molecular consequence: synonymous variant. On other transcripts: non-coding transcript variant (1), intron variant (3).
Genome position (GRCh38, 1-based): chr7:5,999,243, T>C on the plus strand (A>G on the coding strand, the complement: PMS2 is on the minus strand). VCF-style: chr7-5999243-T-C. GRCh37 (hg19) VCF-style: chr7-6038874-T-C.
Other names: c.165A>G, p.Ala55= (NM_001322003.2, NM_001322004.2, NM_001322005.2 and 2 more transcripts); c.570A>G, p.Ala190= (NM_001322006.2, NM_001322014.2); c.252A>G, p.Ala84= (NM_001322007.2, NM_001322008.2); c.261A>G, p.Ala87= (NM_001322015.2); c.133-1820A>G (NM_001322013.2); c.-347-17A>G (NM_001322012.2, NM_001322011.2).
Identifiers: ClinVar variation 1114513 (VCV001114513.14), dbSNP rs1784821785, ClinGen allele CA453647250.